The following is an entry in ClinVar:

NM_005448.2(BMP15):c.538G>A (p.Ala180Thr)

Gene: BMP15 (bone morphogenetic protein 15; plus strand). Cytogenetic location: Xp11.22.
Variant type: single nucleotide variant.
Coding change: c.538G>A on transcript NM_005448.2 (MANE Select); coding-DNA position 538, G replaced by A.
Protein change: p.Ala180Thr; replaces alanine 180 with threonine.
Molecular consequence: missense variant.
Genome position (GRCh38, 1-based): chrX:50,915,966, G>A. VCF-style: chrX-50915966-G-A. GRCh37 (hg19) VCF-style: chrX-50658966-G-A.
Other names: short protein forms A180T.
Identifiers: ClinVar variation 11472 (VCV000011472.8), dbSNP rs104894767, ClinGen allele CA121502.

ClinVar aggregate classification (germline): Conflicting classifications of pathogenicity. Review status: criteria provided, conflicting classifications (1 of 4 stars). 3 submissions from 3 submitters: Uncertain significance (1); Benign (1). 1 of the submissions does not count toward it. Last evaluated 2019-05-28.

Conditions:
Premature ovarian failure 4 (POF4). Identifiers: MedGen C1845295, MONDO:0800317, MeSH C564499.
Ovarian dysgenesis 2 (ODG2). Also called: OVARIAN DYSGENESIS, HYPERGONADOTROPIC, X-LINKED; OVARIAN FAILURE, HYPERGONADOTROPIC, DUE TO OVARIAN DYSGENESIS. Identifiers: Orphanet 243, MedGen C1845294, MONDO:0010349, OMIM 300510.

Allele frequency attached by ClinVar (database versions not stated): 1000 Genomes Project 30x 0.00250; 1000 Genomes Project 0.00318; TOPMed 0.00890; gnomAD 0.01035.
gnomAD v4.1: 15,597 of 1,209,873 alleles (1.3%); highest among the groups gnomAD compares: Non-Finnish European, 1.5%; 87 homozygotes.

Submissions (3):

Mendelics
Classification: Uncertain significance for Ovarian dysgenesis 2. Last evaluated: 2019-05-28. Review status: criteria provided, single submitter. Criteria: Mendelics Assertion Criteria 2017. Collection method: clinical testing. Allele origin: unknown.

Illumina Laboratory Services, Illumina
Classification: Benign for Ovarian dysgenesis 2. Last evaluated: 2018-03-06. Review status: criteria provided, single submitter. Criteria: ICSL Variant Classification Criteria 13 December 2019. Collection method: clinical testing. Allele origin: germline.
Comment: This variant was observed in the ICSL laboratory as part of a predisposition screen in an ostensibly healthy population. It had not been previously curated by ICSL or reported in the Human Gene Mutation Database (HGMD: prior to June 1st, 2018), and was therefore a candidate for classification through an automated scoring system. Utilizing variant allele frequency, disease prevalence and penetrance estimates, and inheritance mode, an automated score was calculated to assess if this variant is too frequent to cause the disease. Based on the score and internal cut-off values, a variant classified as benign is not then subjected to further curation. The score for this variant resulted in a classification of benign for this disease.

OMIM
Classification: Pathogenic for PREMATURE OVARIAN FAILURE 4. Last evaluated: 2006-05-01. Review status: no assertion criteria provided. Collection method: literature only. Allele origin: germline. Not counted in ClinVar's aggregate classification.

Literature cited by the submitters: PubMed 16508750 (cited by OMIM).